The following is an entry in ClinVar:

NM_000089.4(COL1A2):c.1324G>A (p.Gly442Arg)

Gene: COL1A2 (collagen type I alpha 2 chain; plus strand). Cytogenetic location: 7q21.3.
Variant type: single nucleotide variant.
Coding change: c.1324G>A on transcript NM_000089.4 (MANE Select); coding-DNA position 1324, G replaced by A.
Protein change: p.Gly442Arg; replaces glycine 442 with arginine.
Molecular consequence: missense variant.
Genome position (GRCh38, 1-based): chr7:94,411,128, G>A. VCF-style: chr7-94411128-G-A. GRCh37 (hg19) VCF-style: chr7-94040440-G-A.
Other names: short protein forms G442R.
Identifiers: ClinVar variation 526882 (VCV000526882.8), dbSNP rs1554396361, ClinGen allele CA368221610.

ClinVar aggregate classification (germline): Pathogenic (1 of 4 stars; one submission).

Conditions:
Osteogenesis imperfecta type I (OI1). Also called: OI, TYPE I; OSTEOGENESIS IMPERFECTA TARDA; OSTEOGENESIS IMPERFECTA WITH BLUE SCLERAE; Lobstein's Disease; Classic Non-deforming Osteogenesis Imperfecta with Blue Sclerae; Lobstein disease. Identifiers: Orphanet 216796, Orphanet 666, MedGen C0023931, MONDO:0008146, OMIM 166200. Disease mechanism: loss of function.
Ehlers-Danlos syndrome, classic type, 1 (EDSCL1). Also called: Ehlers-Danlos Syndrome, Classic Type, COL5A1-Related; EDS I; Ehlers-Danlos syndrome, type 1; EHLERS-DANLOS SYNDROME, GRAVIS TYPE; EHLERS-DANLOS SYNDROME, SEVERE CLASSIC TYPE. Identifiers: MedGen C0268335, MONDO:0019567, OMIM 130000.

Submission:

Labcorp Genetics (formerly Invitae), Labcorp
Classification: Pathogenic for Osteogenesis imperfecta type I; Ehlers-Danlos syndrome, classic type, 1. Last evaluated: 2023-11-21. Review status: criteria provided, single submitter. Criteria: Invitae Variant Classification Sherloc (09022015). Collection method: clinical testing. Allele origin: germline.
Comment: This sequence change replaces glycine, which is neutral and non-polar, with arginine, which is basic and polar, at codon 442 of the COL1A2 protein (p.Gly442Arg). This variant is not present in population databases (gnomAD no frequency). This missense change has been observed in individuals with osteogenesis imperfecta (PMID: 21520333). ClinVar contains an entry for this variant (Variation ID: 526882). Advanced modeling of protein sequence and biophysical properties (such as structural, functional, and spatial information, amino acid conservation, physicochemical variation, residue mobility, and thermodynamic stability) performed at Invitae indicates that this missense variant is expected to disrupt COL1A2 protein function with a positive predictive value of 95%. This variant disrupts the triple helix domain of COL1A2. Glycine residues within the Gly-Xaa-Yaa repeats of the triple helix domain are required for the structure and stability of fibrillar collagens (PMID: 7695699, 8218237, 19344236). In COL1A2, variants affecting these glycine residues are significantly enriched in individuals with disease (PMID: 9016532, 17078022) compared to the general population (ExAC). For these reasons, this variant has been classified as Pathogenic.

Literature cited by the submitters: PubMed 21520333; PubMed 7695699; PubMed 8218237; PubMed 19344236; PubMed 9016532; PubMed 17078022.